The following is an entry in ClinVar:

ClinVar aggregate classification (germline): Uncertain significance (1 of 4 stars; one submission).

Conditions:
Charcot-Marie-Tooth disease axonal type 2O. Also called: CHARCOT-MARIE-TOOTH NEUROPATHY, AXONAL, TYPE 2O; CHARCOT-MARIE-TOOTH DISEASE, AXONAL, AUTOSOMAL DOMINANT, TYPE 2O; Charcot-Marie-Tooth Neuropathy Type 2O; Charcot-Marie-Tooth disease, axonal, type 20. Identifiers: Orphanet 284232, MedGen C3280220, MONDO:0013644, OMIM 614228.

Submission:

Labcorp Genetics (formerly Invitae), Labcorp
Classification: Uncertain significance for Charcot-Marie-Tooth disease axonal type 2O. Last evaluated: 2022-08-21. Review status: criteria provided, single submitter. Criteria: Invitae Variant Classification Sherloc (09022015). Collection method: clinical testing. Allele origin: germline.
Comment: This variant, c.10972_10974dup, results in the insertion of 1 amino acid(s) of the DYNC1H1 protein (p.Gly3658dup), but otherwise preserves the integrity of the reading frame. This variant is not present in population databases (gnomAD no frequency). This variant has not been reported in the literature in individuals affected with DYNC1H1-related conditions. In summary, the available evidence is currently insufficient to determine the role of this variant in disease. Therefore, it has been classified as a Variant of Uncertain Significance.

NM_001376.5(DYNC1H1):c.10972_10974dup (p.Gly3658_Arg3659insGly)

Gene: DYNC1H1 (dynein cytoplasmic 1 heavy chain 1; plus strand). Cytogenetic location: 14q32.31.
Variant type: Duplication.
Coding change: c.10972_10974dup on transcript NM_001376.5 (MANE Select); coding-DNA positions 10972 to 10974, 3 bases duplicated (GGG; older notation c.10972_10974dupGGG).
Protein change: p.Gly3658_Arg3659insGly.
Molecular consequence: inframe insertion.
Genome position (GRCh38, 1-based): chr14:102,038,523-102,038,525, GGG duplicated; duplicating any 3 consecutive bases within chr14:102,038,520-102,038,525 gives the same sequence; the c. name uses the placement nearest the transcript's 3' end. VCF-style (leftmost placement, unchanged base first): chr14-102038519-A-AGGG. GRCh37 (hg19) VCF-style: chr14-102504856-A-AGGG.
Identifiers: ClinVar variation 2025892 (VCV002025892.4), dbSNP rs2503842678, ClinGen allele CA2580088377.